The following is an entry in ClinVar:

NM_007294.4(BRCA1):c.5278-12C>A

Gene: BRCA1 (BRCA1 DNA repair associated; minus strand). Cytogenetic location: 17q21.31.
Variant type: single nucleotide variant.
Coding change: c.5278-12C>A on transcript NM_007294.4 (MANE Select); 12 bases into the intron before coding-DNA position 5278, C replaced by A.
Molecular consequence: intron variant.
Genome position (GRCh38, 1-based): chr17:43,051,129, G>T on the plus strand (C>A on the coding strand, the complement: BRCA1 is on the minus strand). VCF-style: chr17-43051129-G-T. GRCh37 (hg19) VCF-style: chr17-41203146-G-T.
Other names: c.1825-12C>A (NM_001408458.1, NM_001408461.1, NM_001408464.1 and 7 more transcripts); c.4387-12C>A (NM_001407967.1); c.4897-12C>A (NM_001407959.1); c.5011-12C>A (NM_001407931.1, NM_001407932.1, NM_001407928.1 and 4 more transcripts); c.5134-12C>A (NM_001407747.1, NM_001407745.1, NM_001407737.1 and 21 more transcripts); c.4894-12C>A (NM_001407962.1, NM_001407960.1); c.1465-12C>A (NM_001408512.1); c.1588-12C>A (NM_001408510.1); and 74 more.
Identifiers: ClinVar variation 868274 (VCV000868274.3), dbSNP rs1597804575, ClinGen allele CA916081075.

Conditions:
Breast-ovarian cancer, familial, susceptibility to, 1 (BROVCA1). Also called: BRCA1 Hereditary Breast and Ovarian Cancer; OVARIAN CANCER, SUSCEPTIBILITY TO. Identifiers: Orphanet 145, MedGen C2676676, MONDO:0011450, OMIM 604370. Disease mechanism: loss of function.

Submission:

Brotman Baty Institute, University of Washington
No classification provided (evidence only). Condition: Breast-ovarian cancer, familial 1. Review status: no classification provided. Collection method: in vitro. Allele origin: not applicable. Functional consequence: function_uncertain_variant.
ClinVar note: "not provided" was previously submitted as the classification for the variant. However, the classification appeared to be based only on an observation of functional data so it was converted to no classification on 2025-07-30.